The following is an entry in ClinVar:

ClinVar aggregate classification (germline): Uncertain significance. Review status: criteria provided, multiple submitters, no conflicts (2 of 4 stars). 2 submissions from 2 submitters: Uncertain significance (2). Last evaluated 2025-05-06.

Conditions:
Inborn genetic diseases. Identifiers: MedGen C0950123, MeSH D030342.

Allele frequency attached by ClinVar (database versions not stated): gnomAD exomes below 0.00001; TOPMed below 0.00001.
gnomAD v4.1: 2 of 1,242,176 alleles (0.00016%); highest among the groups gnomAD compares: East Asian, 0.0036%; no homozygotes.

Submissions (2):

Ambry Genetics
Classification: Uncertain significance for Inborn genetic diseases. Last evaluated: 2025-05-06. Review status: criteria provided, single submitter. Criteria: Ambry Variant Classification Scheme 2023. Collection method: clinical testing. Allele origin: germline.

Labcorp Genetics (formerly Invitae), Labcorp
Classification: Uncertain significance. Last evaluated: 2022-07-19. Review status: criteria provided, single submitter. Criteria: Invitae Variant Classification Sherloc (09022015). Collection method: clinical testing. Allele origin: germline.
Comment: This sequence change replaces glycine, which is neutral and non-polar, with serine, which is neutral and polar, at codon 78 of the HMX1 protein (p.Gly78Ser). This variant is not present in population databases (gnomAD no frequency). This variant has not been reported in the literature in individuals affected with HMX1-related conditions. Algorithms developed to predict the effect of missense changes on protein structure and function output the following: SIFT: "Tolerated"; PolyPhen-2: "Not Available"; Align-GVGD: "Class C0". The serine amino acid residue is found in multiple mammalian species, which suggests that this missense change does not adversely affect protein function. Algorithms developed to predict the effect of sequence changes on RNA splicing suggest that this variant may create or strengthen a splice site. In summary, the available evidence is currently insufficient to determine the role of this variant in disease. Therefore, it has been classified as a Variant of Uncertain Significance.

NM_018942.3(HMX1):c.232G>A (p.Gly78Ser)

Gene: HMX1 (H6 family homeobox 1; minus strand). Cytogenetic location: 4p16.1.
Variant type: single nucleotide variant.
Coding change: c.232G>A on transcript NM_018942.3 (MANE Select); coding-DNA position 232, G replaced by A.
Protein change: p.Gly78Ser; replaces glycine 78 with serine.
Molecular consequence: missense variant.
Genome position (GRCh38, 1-based): chr4:8,871,383, C>T on the plus strand (G>A on the coding strand, the complement: HMX1 is on the minus strand). VCF-style: chr4-8871383-C-T. GRCh37 (hg19) VCF-style: chr4-8873109-C-T.
Other names: c.232G>A, p.Gly78Ser (NM_001306142.2); c.232G>A (NM_018942.2); short protein forms G78S.
Identifiers: ClinVar variation 2088525 (VCV002088525.2), dbSNP rs1722214183, ClinGen allele CA356279063.